The following is an entry in ClinVar:

NM_001368894.2(PAX6):c.377G>A (p.Cys126Tyr)

Gene: PAX6 (paired box 6; minus strand). Cytogenetic location: 11p13.
Variant type: single nucleotide variant.
Coding change: c.377G>A on transcript NM_001368894.2 (MANE Select); coding-DNA position 377, G replaced by A.
Protein change: p.Cys126Tyr; replaces cysteine 126 with tyrosine.
Molecular consequence: missense variant. On other transcripts: 5 prime UTR variant (14), non-coding transcript variant (2), intron variant (8).
Genome position (GRCh38, 1-based): chr11:31,801,583, C>T on the plus strand (G>A on the coding strand, the complement: PAX6 is on the minus strand). VCF-style: chr11-31801583-C-T. GRCh37 (hg19) VCF-style: chr11-31823131-C-T.
Other names: c.335G>A, p.Cys112Tyr (NM_000280.6, NM_001127612.3, NM_001258464.2 and 10 more transcripts); c.377G>A, p.Cys126Tyr (NM_001258462.3, NM_001258463.2, NM_001310158.2 and 6 more transcripts); c.-405G>A (NM_001310160.2, NM_001368902.2, NM_001368905.2); c.-74G>A (NM_001310161.3, NM_001368899.2, NM_001368900.2 and 8 more transcripts); c.578G>A, p.Cys193Tyr (NM_001368910.2); c.380G>A, p.Cys127Tyr (NM_001368911.2); c.452G>A, p.Cys151Tyr (NM_001368918.2, NM_001368919.2); c.410G>A, p.Cys137Tyr (NM_001368920.2); and 2 more; short protein forms C112Y, C151Y, C137Y, C126Y, C127Y, C193Y.
Identifiers: ClinVar variation 2941845 (VCV002941845.3), dbSNP rs2496119998, ClinGen allele CA379958482.

ClinVar aggregate classification (germline): Uncertain significance (1 of 4 stars; one submission).

Conditions:
Aniridia 1 (AN1). Identifiers: Orphanet 250923, MedGen C0344542, MONDO:0024507, OMIM 106210.
Irido-corneo-trabecular dysgenesis (ASGD5). Also called: ANTERIOR SEGMENT DYSGENESIS 5. Identifiers: Orphanet 708, MedGen C0344559, MONDO:0011414, OMIM 604229, HP:0000659.

Submission:

Labcorp Genetics (formerly Invitae), Labcorp
Classification: Uncertain significance for Aniridia 1; Irido-corneo-trabecular dysgenesis. Last evaluated: 2022-11-25. Review status: criteria provided, single submitter. Criteria: Invitae Variant Classification Sherloc (09022015). Collection method: clinical testing. Allele origin: germline.
Comment: This sequence change replaces cysteine, which is neutral and slightly polar, with tyrosine, which is neutral and polar, at codon 112 of the PAX6 protein (p.Cys112Tyr). This variant is not present in population databases (gnomAD no frequency). This variant has not been reported in the literature in individuals affected with PAX6-related conditions. Advanced modeling of protein sequence and biophysical properties (such as structural, functional, and spatial information, amino acid conservation, physicochemical variation, residue mobility, and thermodynamic stability) performed at Invitae indicates that this missense variant is expected to disrupt PAX6 protein function. In summary, the available evidence is currently insufficient to determine the role of this variant in disease. Therefore, it has been classified as a Variant of Uncertain Significance.